The following is an entry in ClinVar:

NM_000161.3(GCH1):c.260A>C (p.Gln87Pro)

Gene: GCH1 (GTP cyclohydrolase 1; minus strand). Cytogenetic location: 14q22.2.
Variant type: single nucleotide variant.
Coding change: c.260A>C on transcript NM_000161.3 (MANE Select); coding-DNA position 260, A replaced by C.
Protein change: p.Gln87Pro; replaces glutamine 87 with proline.
Molecular consequence: missense variant.
Genome position (GRCh38, 1-based): chr14:54,902,404, T>G on the plus strand (A>C on the coding strand, the complement: GCH1 is on the minus strand). VCF-style: chr14-54902404-T-G. GRCh37 (hg19) VCF-style: chr14-55369122-T-G.
Other names: c.260A>C, p.Gln87Pro (NM_001024024.2, NM_001024070.2, NM_001024071.2); short protein forms Q87P.
Identifiers: ClinVar variation 804830 (VCV000804830.8), dbSNP rs1595031190, ClinGen allele CA389793753.
Genomic context (GRCh38, chr14:54,902,404, plus strand): 5'-TTGGTGAAGAACTGCATGGCCGAGGCCGCCCTCCAGGGCGTCTTGAGCAGCCCTTGCCGC[T>G]GGGGGTTCTCGCCCAGCGAGCTCAGGATGGACGAGTAGGCGGCTGCCAGGTTAGGGAGGT-3'
Protein context (NP_000152.1, residues 77-97): SILSSLGENP[Gln87Pro]RQGLLKTPWR

ClinVar aggregate classification (germline): Uncertain significance. Review status: criteria provided, multiple submitters, no conflicts (2 of 4 stars). 2 submissions from 2 submitters: Uncertain significance (2). Last evaluated 2021-02-18.

Conditions:
GTP cyclohydrolase I deficiency. Identifiers: MedGen C0268467, MONDO:0100184.
Dystonia 5 (DRD). Also called: DYT-GCH1; Dystonia, DOPA-responsive, with or without hyperphenylalaninemia; DYSTONIA, PROGRESSIVE, WITH DIURNAL VARIATION; DYSTONIA-PARKINSONISM WITH DIURNAL FLUCTUATION; GTP Cyclohydrolase 1-Deficient Dopa-Responsive Dystonia. Identifiers: Orphanet 98808, MedGen C1851920, MONDO:0007495, OMIM 128230.

Submissions (2):

Labcorp Genetics (formerly Invitae), Labcorp
Classification: Uncertain significance for GTP cyclohydrolase I deficiency; Dystonia 5. Last evaluated: 2021-02-18. Review status: criteria provided, single submitter. Criteria: Invitae Variant Classification Sherloc (09022015). Collection method: clinical testing. Allele origin: germline.
Comment: This variant is not present in population databases (ExAC no frequency). This sequence change replaces glutamine with proline at codon 87 of the GCH1 protein (p.Gln87Pro). The glutamine residue is weakly conserved and there is a moderate physicochemical difference between glutamine and proline. This variant has been observed in individual(s) with clinical features of dopa-responsive dystonia (PMID:12473771, Invitae). ClinVar contains an entry for this variant (Variation ID: 804830). In summary, the available evidence is currently insufficient to determine the role of this variant in disease. Therefore, it has been classified as a Variant of Uncertain Significance. Algorithms developed to predict the effect of missense changes on protein structure and function (SIFT, PolyPhen-2, Align-GVGD) all suggest that this variant is likely to be tolerated, but these predictions have not been confirmed by published functional studies and their clinical significance is uncertain.

Athena Diagnostics
Classification: Uncertain significance. Last evaluated: 2019-04-09. Review status: criteria provided, single submitter. Criteria: Athena Diagnostics Criteria. Collection method: clinical testing. Allele origin: germline.

Literature cited by the submitters: PubMed 12473771 (cited by Labcorp Genetics (formerly Invitae), Labcorp and Athena Diagnostics).